The following is an entry in ClinVar:

ClinVar aggregate classification (germline): Uncertain significance (1 of 4 stars; one submission).

gnomAD v4.1: 1 of 1,613,590 alleles (0.000062%); highest among the groups gnomAD compares: Middle Eastern, 0.016%; no homozygotes.

Submission:

Labcorp Genetics (formerly Invitae), Labcorp
Classification: Uncertain significance. Last evaluated: 2024-12-17. Review status: criteria provided, single submitter. Criteria: Invitae Variant Classification Sherloc (09022015). Collection method: clinical testing. Allele origin: germline.
Comment: This sequence change replaces proline, which is neutral and non-polar, with arginine, which is basic and polar, at codon 1170 of the COL11A1 protein (p.Pro1170Arg). This variant is not present in population databases (gnomAD no frequency). This variant has not been reported in the literature in individuals affected with COL11A1-related conditions. Invitae Evidence Modeling of protein sequence and biophysical properties (such as structural, functional, and spatial information, amino acid conservation, physicochemical variation, residue mobility, and thermodynamic stability) indicates that this missense variant is not expected to disrupt COL11A1 protein function with a negative predictive value of 80%. In summary, the available evidence is currently insufficient to determine the role of this variant in disease. Therefore, it has been classified as a Variant of Uncertain Significance.

NM_001854.4(COL11A1):c.3509C>G (p.Pro1170Arg)

Gene: COL11A1 (collagen type XI alpha 1 chain; minus strand). Cytogenetic location: 1p21.1.
Variant type: single nucleotide variant.
Coding change: c.3509C>G on transcript NM_001854.4 (MANE Select); coding-DNA position 3509, C replaced by G.
Protein change: p.Pro1170Arg; replaces proline 1170 with arginine.
Molecular consequence: missense variant. On other transcripts: non-coding transcript variant (1).
Genome position (GRCh38, 1-based): chr1:102,934,540, G>C on the plus strand (C>G on the coding strand, the complement: COL11A1 is on the minus strand). VCF-style: chr1-102934540-G-C. GRCh37 (hg19) VCF-style: chr1-103400096-G-C.
Other names: c.3392C>G, p.Pro1131Arg (NM_001190709.2); c.3545C>G, p.Pro1182Arg (NM_080629.3); c.3161C>G, p.Pro1054Arg (NM_080630.4); short protein forms P1170R, P1054R, P1131R, P1182R.
Identifiers: ClinVar variation 3631734 (VCV003631734.2).